The following is an entry in ClinVar:

ClinVar aggregate classification (germline): Likely benign. Review status: reviewed by expert panel (3 of 4 stars). 12 submissions from 12 submitters: Likely benign (1). 11 of the submissions do not count toward it. Last evaluated 2017-06-29.

Conditions:
Hereditary cancer-predisposing syndrome. Also called: Tumor predisposition; Neoplastic Syndromes, Hereditary; Hereditary Cancer Syndrome; Hereditary neoplastic syndrome. Identifiers: Orphanet 140162, MedGen C0027672, MeSH D009386, MONDO:0015356.
Hereditary breast ovarian cancer syndrome. Also called: Hereditary breast and ovarian cancer; Hereditary breast and ovarian cancer syndrome (HBOC); Breast and ovarian cancer; Hereditary breast and/or ovarian cancer syndrome; BRCA1- and BRCA2-Associated Hereditary Breast and Ovarian Cancer; Hereditary breast and ovarian cancer syndrome. Identifiers: Orphanet 145, MedGen C0677776, MeSH D061325, MONDO:0003582. Disease mechanism: loss of function.
Breast-ovarian cancer, familial, susceptibility to, 1 (BROVCA1). Also called: OVARIAN CANCER, SUSCEPTIBILITY TO; BRCA1 Hereditary Breast and Ovarian Cancer. Identifiers: Orphanet 145, MedGen C2676676, MONDO:0011450, OMIM 604370. Disease mechanism: loss of function.

Allele frequency attached by ClinVar (database versions not stated): TOPMed 0.00002; gnomAD exomes 0.00004 and 0.00008; ExAC 0.00007.
gnomAD v4.1: 24 of 1,614,174 alleles (0.0015%); highest among the groups gnomAD compares: Admixed American, 0.038%; no homozygotes.

Submissions (12):

Evidence-based Network for the Interpretation of Germline Mutant Alleles (ENIGMA)
Classification: Likely benign for Breast-ovarian cancer, familial, susceptibility to, 1. Last evaluated: 2017-06-29. Review status: reviewed by expert panel. Criteria: ENIGMA BRCA1/2 Classification Criteria (2017-06-29). Collection method: curation. Allele origin: germline.
Comment: Synonymous substitution variant, with low bioinformatic likelihood to result in a splicing aberration (Splicing prior probability 0.02).

Labcorp Genetics (formerly Invitae), Labcorp
Classification: Likely benign for Hereditary breast ovarian cancer syndrome. Last evaluated: 2026-02-03. Review status: criteria provided, single submitter. Criteria: Invitae Variant Classification Sherloc (09022015). Collection method: clinical testing. Allele origin: germline. Not counted in ClinVar's aggregate classification.

Quest Diagnostics Nichols Institute San Juan Capistrano
Classification: Benign. Last evaluated: 2022-11-03. Review status: criteria provided, single submitter. Criteria: Quest Diagnostics criteria. Collection method: clinical testing. Allele origin: unknown. Not counted in ClinVar's aggregate classification.

Sema4
Classification: Likely benign for Hereditary cancer-predisposing syndrome. Last evaluated: 2021-10-12. Review status: criteria provided, single submitter. Criteria: Sema4 Curation Guidelines. Collection method: curation. Allele origin: germline. Not counted in ClinVar's aggregate classification.

CeGaT Center for Human Genetics Tuebingen
Classification: Likely benign. Last evaluated: 2021-05-01. Review status: criteria provided, single submitter. Criteria: CeGaT Center For Human Genetics Tuebingen Variant Classification Criteria Version 2. Collection method: clinical testing. Allele origin: germline. Affected: yes. Observed: 1 variant allele. Not counted in ClinVar's aggregate classification.

GeneDx
Classification: Likely benign. Last evaluated: 2019-06-27. Review status: criteria provided, single submitter. Criteria: GeneDx Variant Classification Process June 2021. Collection method: clinical testing. Allele origin: germline. Affected: yes. Not counted in ClinVar's aggregate classification.
Comment: This variant is associated with the following publications: (PMID: 16267036)

Color Diagnostics, LLC DBA Color Health
Classification: Likely benign for Hereditary cancer-predisposing syndrome. Last evaluated: 2018-11-30. Review status: criteria provided, single submitter. Criteria: ACMG Guidelines, 2015. Collection method: clinical testing. Allele origin: germline. Not counted in ClinVar's aggregate classification.

PreventionGenetics, part of Exact Sciences
Classification: Likely benign. Last evaluated: 2017-04-17. Review status: criteria provided, single submitter. Criteria: ACMG Guidelines, 2015. Collection method: clinical testing. Allele origin: germline. Not counted in ClinVar's aggregate classification.

Women's Health and Genetics/Laboratory Corporation of America, LabCorp
Classification: Likely benign. Last evaluated: 2017-03-07. Review status: criteria provided, single submitter. Criteria: LabCorp Variant Classification Summary - May 2015. Collection method: clinical testing. Allele origin: germline. Not counted in ClinVar's aggregate classification.
Comment: Variant summary: The BRCA1 c.987T>C (p.Asn329Asn) variant causes a synonymous change involving the alteration of a non-conserved nucleotide, which 5/5 splice prediction tools predict no significant impact on normal splicing. However, these predictions have yet to be confirmed by functional studies. The variant of interest was observed in the large, broad control population, ExAC, with an allele frequency of 9/121402 (1/13495), predominantly in the Latino cohort, 9/11574 (1/1286), which does not exceed the estimated maximal expected allele frequency for a pathogenic BRCA1 variant of 1/1000. A publication, Judkins_2005, cites the variant in an affected individual, however, with limited information (ie, lack of cosegregation data), although the authors do classify the variant as a "polymorphism." In addition, multiple clinical diagnostic laboratories/reputable databases classified this variant as likely benign. Taken together, this variant is classified as likely benign.

ARUP Laboratories, Molecular Genetics and Genomics, ARUP Laboratories
Classification: Likely benign. Last evaluated: 2017-01-30. Review status: criteria provided, single submitter. Criteria: ARUP Molecular Germline Variant Investigation Process. Collection method: clinical testing. Allele origin: germline. Not counted in ClinVar's aggregate classification.

Ambry Genetics
Classification: Likely benign for Hereditary cancer-predisposing syndrome. Last evaluated: 2014-07-10. Review status: criteria provided, single submitter. Criteria: Ambry Variant Classification Scheme 2023. Collection method: clinical testing. Allele origin: germline. Not counted in ClinVar's aggregate classification.

Counsyl
Classification: Likely benign for Breast-ovarian cancer, familial, susceptibility to, 1. Last evaluated: 2015-11-26. Review status: no assertion criteria provided. Collection method: clinical testing. Allele origin: unknown. Not counted in ClinVar's aggregate classification.

Literature cited by the submitters: PubMed 16267036 (cited by 3 submitters).

NM_007294.4(BRCA1):c.987T>C (p.Asn329=)

Gene: BRCA1 (BRCA1 DNA repair associated; minus strand). Cytogenetic location: 17q21.31.
Variant type: single nucleotide variant.
Coding change: c.987T>C on transcript NM_007294.4 (MANE Select); coding-DNA position 987, T replaced by C.
Protein change: p.Asn329=; no amino-acid change (asparagine 329 retained).
Molecular consequence: synonymous variant. On other transcripts: intron variant (137).
Genome position (GRCh38, 1-based): chr17:43,094,544, A>G on the plus strand (T>C on the coding strand, the complement: BRCA1 is on the minus strand). VCF-style: chr17-43094544-A-G. GRCh37 (hg19) VCF-style: chr17-41246561-A-G.
Other names: c.774T>C, p.Asn258= (NM_001407571.1, NM_001407853.1, NM_001407894.1 and 9 more transcripts); c.987T>C, p.Asn329= (NM_001407581.1, NM_001407582.1, NM_001407583.1 and 30 more transcripts); c.984T>C, p.Asn328= (NM_001407587.1, NM_001407590.1, NM_001407591.1 and 22 more transcripts); c.978T>C, p.Asn326= (NM_001407646.1, NM_001407647.1); c.864T>C, p.Asn288= (NM_001407648.1, NM_001407664.1, NM_001407665.1 and 19 more transcripts); c.861T>C, p.Asn287= (NM_001407649.1, NM_001407670.1, NM_001407671.1 and 11 more transcripts); c.909T>C, p.Asn303= (NM_001407653.1, NM_001407654.1, NM_001407655.1 and 4 more transcripts); c.906T>C, p.Asn302= (NM_001407659.1, NM_001407660.1, NM_001407661.1 and 1 more transcripts); and 40 more.
Identifiers: ClinVar variation 185687 (VCV000185687.67), dbSNP rs774849810, ClinGen allele CA004001.